The following is an entry in ClinVar:

NM_017780.4(CHD7):c.2498+5G>C

Gene: CHD7 (chromodomain helicase DNA binding protein 7; plus strand). Cytogenetic location: 8q12.2.
Variant type: single nucleotide variant.
Coding change: c.2498+5G>C on transcript NM_017780.4 (MANE Select); 5 bases into the intron after coding-DNA position 2498, G replaced by C.
Molecular consequence: intron variant.
Genome position (GRCh38, 1-based): chr8:60,808,277, G>C. VCF-style: chr8-60808277-G-C. GRCh37 (hg19) VCF-style: chr8-61720836-G-C.
Other names: c.1716+27227G>C (NM_001316690.1).
Identifiers: ClinVar variation 4854509 (VCV004854509.1).
Genomic context (GRCh38, chr8:60,808,277, plus strand): 5'-AAGGAATCTGGAGAGGAGGTAGAAATTGAGGAATTCTATGTGAAATACAAAAACTTGTAA[G>C]TAAATTGTGATTCTGTTTTTAATGGGGGGCTATATTTTCCAAGTAGTAAACGACCATTTT-3'

ClinVar aggregate classification (germline): Uncertain significance (1 of 4 stars; one submission).

Conditions:
CHD7-related CHARGE syndrome. Identifiers: MedGen CN380413, MONDO:1010178, OMIM 214800.

Submission:

3billion
Classification: Uncertain significance for CHD7-related CHARGE syndrome. Last evaluated: 2025-06-25. Review status: criteria provided, single submitter. Criteria: ACMG Guidelines, 2015. Collection method: clinical testing. Allele origin: germline. Affected: yes.
Comment: The variant is not observed in the gnomAD v4.1.0 dataset. Predicted Consequence/Location: Intron variant In silico tools predict the variant to alter splicing and produce an abnormal transcript [SpliceAI: 0.99 (>=0.2, moderate evidence for spliceogenicity)]. Therefore, this variant is classified as VUS according to the recommendation of ACMG/AMP guideline.